The following is an entry in ClinVar:

NM_002941.4(ROBO1):c.2758C>T (p.Arg920Ter)

Gene: ROBO1 (roundabout guidance receptor 1; minus strand). Cytogenetic location: 3p12.3.
Variant type: single nucleotide variant.
Coding change: c.2758C>T on transcript NM_002941.4 (MANE Select); coding-DNA position 2758, C replaced by T.
Protein change: p.Arg920Ter; replaces arginine 920 with a stop codon.
Molecular consequence: nonsense.
Genome position (GRCh38, 1-based): chr3:78,651,786, G>A on the plus strand (C>T on the coding strand, the complement: ROBO1 is on the minus strand). VCF-style: chr3-78651786-G-A. GRCh37 (hg19) VCF-style: chr3-78700936-G-A.
Other names: p.Arg920Ter; c.2650C>T, p.Arg884Ter (NM_001145844.1, NM_001145845.2, NM_133631.4); short protein forms R884*, R920*.
Identifiers: ClinVar variation 1077090 (VCV001077090.4), dbSNP rs1706676495, ClinGen allele CA353659479.
Genomic context (GRCh38, chr3:78,651,786, plus strand): 5'-TAATACCTTTTCTGATACCCGCGTAGGTACTAGTAAGTCCGTTTCTCTTCTTGCGGTGTC[G>A]ATAAAGCCAGATGCTGAAGACCATGAGGATGATCCAACAGGCTGCTCCAATACCTGCTAT-3'

ClinVar aggregate classification (germline): Pathogenic/Likely pathogenic. Review status: criteria provided, multiple submitters, no conflicts (2 of 4 stars). 4 submissions from 4 submitters: Pathogenic (1); Likely pathogenic (2). 1 of the submissions does not count toward it. Last evaluated 2026-04-15.

Conditions:
Neurooculorenal syndrome (NORS). Identifiers: MedGen C5830377, MONDO:0957210, OMIM 620305.
ROBO1-related disorder. Also called: ROBO1-related condition.
Congenital anomaly of kidney and urinary tract. Also called: Congenital anomalies of kidney and urinary tract; Congenital anomalies of the kidney and urinary tract. Identifiers: Orphanet 93545, MedGen C1968949, MeSH C566906, MONDO:0019719.
Congenital heart disease (CHD). Identifiers: MedGen C0152021, MONDO:0005453. Disease mechanism: unknown.

gnomAD v4.1: 7 of 1,613,390 alleles (0.00043%); highest among the groups gnomAD compares: African/African-American, 0.0013%; no homozygotes.

Submissions (4):

PreventionGenetics, part of Exact Sciences
Classification: Likely pathogenic for ROBO1-related condition. Last evaluated: 2026-04-15. Review status: criteria provided, single submitter. Criteria: ACMG Guidelines, 2015. Collection method: clinical testing. Allele origin: germline.
Comment: The ROBO1 c.2758C>T variant is predicted to result in premature protein termination (p.Arg920*). This variant has been reported in the compound heterozygous state in an individual with congenital anomalies of kidney and urinary tract (Münch et al. 2022. PubMed ID: 35227688). This variant has not been reported in a large population database (gnomAD), indicating this variant is rare. Nonsense variants in ROBO1 are expected to be pathogenic for autosomal recessive ROBO1-related disorders. This variant is interpreted as likely pathogenic for autosomal recessive ROBO1-related disorders.

Institute Of Molecular Biology And Genetics, Federal Almazov National Medical Research Centre
Classification: Pathogenic for Congenital heart disease; Congenital anomaly of kidney and urinary tract. Last evaluated: 2026-04-01. Review status: criteria provided, single submitter. Criteria: ACMG Guidelines, 2015. Collection method: clinical testing. Allele origin: germline. Affected: yes. Observed: 1 variant allele.
Comment: The variant NM_002941.4:c.2758C>T is a nonsense variant in ROBO1 gene which is predicted to result in a premature stop codon (p.Arg920Ter), and likely results in an absent or disrupted protein product (PVS1). Loss-of-function is a known mechanism for ROBO1-related clinical conditions such as congenital heart disease, renal malformations, neurodevelopment disorders (PMID: 28592524, PMID: 35348658, PMID: 29194579, PMID: 35227688). The variant is absent in population databases (no allele frequency in gnomAD) (PM2). The variant c.2758C>T has records in ClinVar with pathogenic/likely pathogenic interpretation in association with CAKUT or Neurooculorenal syndrome(Variation ID: 1077090).

Institute of Human Genetics, University of Leipzig Medical Center
Classification: Likely pathogenic for Congenital anomaly of kidney and urinary tract. Last evaluated: 2021-05-10. Review status: criteria provided, single submitter. Criteria: ACMG Guidelines, 2015. Collection method: clinical testing. Allele origin: germline. Inheritance: Autosomal recessive inheritance. Affected: yes.
Comment: PVS1_VeryStrong, PM2_Supporting

OMIM
Classification: Pathogenic for NEUROOCULORENAL SYNDROME. Last evaluated: 2023-04-05. Review status: no assertion criteria provided. Collection method: literature only. Allele origin: germline. Not counted in ClinVar's aggregate classification.

Literature cited by the submitters: PubMed 35227688 (cited by Institute Of Molecular Biology And Genetics, Federal Almazov National Medical Research Centre and OMIM).